The following is an entry in ClinVar:

NM_002887.4(RARS1):c.826T>G (p.Ser276Ala)

Gene: RARS1 (arginyl-tRNA synthetase 1; plus strand). Cytogenetic location: 5q34.
Variant type: single nucleotide variant.
Coding change: c.826T>G on transcript NM_002887.4 (MANE Select); coding-DNA position 826, T replaced by G.
Protein change: p.Ser276Ala; replaces serine 276 with alanine.
Molecular consequence: missense variant.
Genome position (GRCh38, 1-based): chr5:168,500,594, T>G. VCF-style: chr5-168500594-T-G. GRCh37 (hg19) VCF-style: chr5-167927599-T-G.
Other names: short protein forms S276A.
Identifiers: ClinVar variation 1680418 (VCV001680418.6), dbSNP rs2152904572, ClinGen allele CA362080575.

ClinVar aggregate classification (germline): Uncertain significance (1 of 4 stars; one submission).

Submission:

Labcorp Genetics (formerly Invitae), Labcorp
Classification: Uncertain significance. Last evaluated: 2021-12-03. Review status: criteria provided, single submitter. Criteria: Invitae Variant Classification Sherloc (09022015). Collection method: clinical testing. Allele origin: germline.
Comment: This sequence change replaces serine, which is neutral and polar, with alanine, which is neutral and non-polar, at codon 276 of the RARS protein (p.Ser276Ala). This variant is not present in population databases (gnomAD no frequency). This variant has not been reported in the literature in individuals affected with RARS-related conditions. Algorithms developed to predict the effect of missense changes on protein structure and function are either unavailable or do not agree on the potential impact of this missense change (SIFT: "Tolerated"; PolyPhen-2: "Possibly Damaging"; Align-GVGD: "Class C0"). In summary, the available evidence is currently insufficient to determine the role of this variant in disease. Therefore, it has been classified as a Variant of Uncertain Significance.